The following is an entry in ClinVar:

NC_000017.11:g.(?_10521270)_(10537845_?)del

Gene: MYH2 (myosin heavy chain 2; minus strand). Cytogenetic location: 17p13.1.
Variant type: Deletion.
Identifiers: ClinVar variation 833004 (VCV000833004.2).

ClinVar aggregate classification (germline): Uncertain significance (1 of 4 stars; one submission).

Conditions:
Myopathy, proximal, and ophthalmoplegia (CMYO6). Also called: INCLUSION BODY MYOPATHY 3, AUTOSOMAL DOMINANT; MYOPATHY WITH CONGENITAL JOINT CONTRACTURES, OPHTHALMOPLEGIA, AND RIMMED VACUOLES; CONGENITAL MYOPATHY 6 WITH OPHTHALMOPLEGIA. Identifiers: Orphanet 363677, Orphanet 79091, MedGen C1854106, MONDO:0011577, OMIM 605637.

Submission:

Labcorp Genetics (formerly Invitae), Labcorp
Classification: Uncertain significance for Myopathy, proximal, and ophthalmoplegia. Last evaluated: 2019-05-26. Review status: criteria provided, single submitter. Criteria: Invitae Variant Classification Sherloc (09022015). Collection method: clinical testing. Allele origin: germline.
Comment: This variant is a gross deletion of the genomic region encompassing exons 15-40 of the MYH2 gene. The 5' boundary is likely confined to intron 14. The 3' end of this event is unknown as it extends through the termination codon beyond the assayed region for this gene and may encompass additional genes. While this deletion is not anticipated to result in nonsense mediated decay, it is expected to create a truncated protein product or disrupt mRNA translation. This variant has not been reported in the literature in individuals with MYH2-related disease. In summary, the available evidence is currently insufficient to determine the role of this variant in disease. Therefore, it has been classified as a Variant of Uncertain Significance.